The following is an entry in ClinVar:

NM_000492.4(CFTR):c.473G>A (p.Ser158Asn)

Gene: CFTR (CF transmembrane conductance regulator; plus strand). Cytogenetic location: 7q31.2.
Variant type: single nucleotide variant.
Coding change: c.473G>A on transcript NM_000492.4 (MANE Select); coding-DNA position 473, G replaced by A.
Protein change: p.Ser158Asn; replaces serine 158 with asparagine.
Molecular consequence: missense variant.
Genome position (GRCh38, 1-based): chr7:117,531,098, G>A. VCF-style: chr7-117531098-G-A. GRCh37 (hg19) VCF-style: chr7-117171152-G-A.
Other names: short protein forms S158N.
Identifiers: ClinVar variation 618959 (VCV000618959.33), dbSNP rs397508725, ClinGen allele CA4450730.

ClinVar aggregate classification (germline): Conflicting classifications of pathogenicity. Review status: criteria provided, conflicting classifications (1 of 4 stars). 16 submissions from 15 submitters: Pathogenic (1); Likely pathogenic (5); Uncertain significance (9). 1 of the submissions does not count toward it. Last evaluated 2026-07-07.

Conditions:
CFTR-related disorder (CFTR-RD). Also called: CFTR-related disorders; CFTR-related condition. Identifiers: MedGen C5924204, MONDO:7770004.
Cystic fibrosis (CF). Also called: MUCOVISCIDOSIS. Identifiers: Orphanet 586, MedGen C0010674, MONDO:0009061, OMIM 219700. Disease mechanism: loss of function.
Congenital bilateral aplasia of vas deferens from CFTR mutation (CBAVD). Identifiers: Orphanet 48, MedGen C0403814, MONDO:0010178, OMIM 277180. Disease mechanism: loss of function.
Hereditary pancreatitis (PCTT). Also called: Hereditary chronic pancreatitis; PRSS1-Related Hereditary Pancreatitis. Identifiers: Orphanet 676, MedGen C0238339, MONDO:0008185, OMIM 167800.
Bronchiectasis with or without elevated sweat chloride 1 (BESC1). Also called: Cystic Fibrosis-Like Syndrome. Identifiers: Orphanet 60033, MedGen C2749757, MONDO:0008887, OMIM 211400.

Allele frequency attached by ClinVar (database versions not stated): 1000 Genomes Project 0.00020; 1000 Genomes Project 30x 0.00031.
gnomAD v4.1: 42 of 1,612,832 alleles (0.0026%); highest among the groups gnomAD compares: South Asian, 0.046%; no homozygotes.

Submissions 1 to 10 of 16:

Institute of Human Genetics, University of Leipzig Medical Center
Classification: Uncertain significance for Hereditary pancreatitis. Last evaluated: 2026-07-07. Review status: criteria provided, single submitter. Criteria: ACMG Guidelines, 2015. Collection method: clinical testing. Allele origin: unknown. Inheritance: Autosomal recessive inheritance. Affected: yes.
Comment: Criteria applied: PM2,PM3,PP3

GeneDx
Classification: Uncertain significance. Last evaluated: 2026-03-09. Review status: criteria provided, single submitter. Criteria: GeneDx Variant Classification Process June 2021. Collection method: clinical testing. Allele origin: germline.
Comment: Observed in individuals with chronic pancreatitis or azoospermia in published literature. Some of these individuals harbored additional CFTR variants, but it is not known whether the variants occurred on the same (in cis) or on different (in trans) alleles (PMID: 41483127, 20551465); Functional studies regarding chloride conductance demonstrate a reduction in chloride transport, though not significant and nor as severe as CF controls. Additionally, CFTR-mediated bicarbonate transport was not measured and normalization of expression to transfection efficiency was not discussed (PMID: 38388235); In silico analysis suggests that this missense variant does not alter protein structure/function; This variant is associated with the following publications: (PMID: 26437683, 12820707, 30760291, 21966101, 24440239, 34298581, 32819855, 38966678, Magar2025[paper], Guo2025[CaseReport], 40013628, 41483127, 20551465, 40981298, 18782298, 38388235, 41250195)

Labcorp Genetics (formerly Invitae), Labcorp
Classification: Pathogenic for Cystic fibrosis. Last evaluated: 2026-01-13. Review status: criteria provided, single submitter. Criteria: Invitae Variant Classification Sherloc (09022015). Collection method: clinical testing. Allele origin: germline.
Comment: This sequence change replaces serine, which is neutral and polar, with asparagine, which is neutral and polar, at codon 158 of the CFTR protein (p.Ser158Asn). This variant is present in population databases (rs397508725, gnomAD 0.06%). This missense change has been observed in individual(s) with clinical features of cystic fibrosis (PMID: 30760291; internal data). In at least one individual the data is consistent with being in trans (on the opposite chromosome) from a pathogenic variant. This variant is also known as c.605G>A. ClinVar contains an entry for this variant (Variation ID: 618959). Invitae Evidence Modeling of protein sequence and biophysical properties (such as structural, functional, and spatial information, amino acid conservation, physicochemical variation, residue mobility, and thermodynamic stability) indicates that this missense variant is expected to disrupt CFTR protein function with a positive predictive value of 80%. For these reasons, this variant has been classified as Pathogenic.

Women's Health and Genetics/Laboratory Corporation of America, LabCorp
Classification: Likely pathogenic for Cystic fibrosis. Last evaluated: 2026-01-12. Review status: criteria provided, single submitter. Criteria: LabCorp Variant Classification Summary - May 2015. Collection method: clinical testing. Allele origin: germline.
Comment: Variant summary: CFTR c.473G>A (p.Ser158Asn) results in a conservative amino acid change in the encoded protein sequence. Algorithms developed to predict the effect of missense changes on protein structure and function are either unavailable or do not agree on the potential impact of this missense change. The variant allele was found at a frequency of 7.2e-05 in 249072 control chromosomes. This frequency is not significantly higher than estimated for disease-causing variants in CFTR, allowing no conclusion about variant significance. c.473G>A has been reported in the literature in individuals affected with clinical features of Cystic Fibrosis (e.g. Hicks_2003, Sharma_2009, da Silva Filho_2021, Zampoli_2021, Vaidyanathan_2022, Varkki_2024, Labcorp (formerly Invitae)). These data indicate that the variant may be associated with disease. At least one publication reports experimental evidence evaluating an impact on protein function. The most pronounced variant effect resulted in approximately 12.97% of normal chloride channel conductance relative to wild type (e.g., Bihler_2024). This variant is also known as c.605G>A. The following publications have been ascertained in the context of this evaluation (PMID: 38388235, 12820707, 20551465, 24440239, 30760291, 18782298, 35857025, 38966678, 34350279, 32819855, 38271453, 40981298, 25735457, 34740355, 22327961, 26437683, 21966101, 36834620, 40013628). ClinVar contains an entry for this variant (Variation ID: 618959). Based on the evidence outlined above, the variant was classified as likely pathogenic.

Natera, Inc.
Classification: Likely pathogenic for CFTR-related disorders. Last evaluated: 2025-08-18. Review status: criteria provided, single submitter. Criteria: Natera Variant Classification Schema (03/2026). Collection method: clinical testing. Allele origin: germline.
Comment: The c.473G>A variant in CFTR is a missense variant predicted to cause substitution of serine to asparagine at amino acid 158. This variant is rare in the general population with a frequency below the threshold expected for the associated phenotype(s). This variant has been observed in one or more individuals affected with the associated recessive disease, as either homozygous or compound heterozygous with a second variant (PMID: 18782298, 30760291). Functional studies show that this variant may disrupt protein function (PMID: 38388235). Computational prediction algorithms indicate this variant is likely to affect gene or protein function. Given the available evidence, this variant is classified as Likely Pathogenic.

First Genomix Gene Laboratory, Genetic Diagnostics Department
Classification: Likely pathogenic for Congenital bilateral aplasia of vas deferens from CFTR mutation; Cystic fibrosis. Last evaluated: 2025-06-20. Review status: criteria provided, single submitter. Criteria: ACMG Guidelines, 2015. Collection method: clinical testing. Allele origin: germline. Inheritance: Autosomal recessive inheritance. Affected: no. Observed: 1 variant allele.

Genetics and Genomic Medicine Centre, NeuroGen Healthcare, NeuroGen Healthcare
Classification: Uncertain significance for Cystic fibrosis. Last evaluated: 2025-03-23. Review status: criteria provided, single submitter. Criteria: ACMG Guidelines, 2015. Collection method: clinical testing. Allele origin: unknown. Affected: yes.

Fulgent Genetics
Classification: Likely pathogenic for Hereditary pancreatitis; Bronchiectasis with or without elevated sweat chloride 1; Cystic fibrosis; Congenital bilateral aplasia of vas deferens from CFTR mutation. Last evaluated: 2024-05-15. Review status: criteria provided, single submitter. Criteria: ACMG Guidelines, 2015. Collection method: clinical testing. Allele origin: germline.

Baylor Genetics
Classification: Likely pathogenic for Bronchiectasis with or without elevated sweat chloride 1. Last evaluated: 2024-01-24. Review status: criteria provided, single submitter. Criteria: ACMG Guidelines, 2015. Collection method: clinical testing. Allele origin: unknown.

Neuberg Centre For Genomic Medicine, NCGM
Classification: Uncertain significance for Cystic fibrosis. Last evaluated: 2023-06-22. Review status: criteria provided, single submitter. Criteria: ACMG Guidelines, 2015. Collection method: clinical testing. Allele origin: germline. Inheritance: Autosomal recessive inheritance. Affected: yes.
Comment: The missense variant p.S158N in CFTR (NM_000492.4) has been reported previously in both trans (Sharma N et al) and in cis with a delta F508 where another variant in trans was not detected (Hicks K et al). The missense variant c.473G>A (p.S158N) in CFTR (NM_000492.4) is observed in 18/30330 (0.0593%) alleles from individuals of South Asian background in the gnomAD dataset (Exome Aggregation Consortium et al., 2016), but was not seen in the homozygous state. The p.S158N missense variant is predicted to be damaging by both SIFT and PolyPhen2. The serine residue at codon 158 of CFTR is conserved in all mammalian species. The nucleotide c.473 in CFTR is predicted conserved by GERP++ and PhyloP across 100 vertebrates. Since it has been detected in cis with deltaF508 variant in one patient, it's independent pathogenic potential is unclear and hence has been classified as Variant of Uncertain Significance (VUS).